The following is an entry in ClinVar:

NM_004082.5(DCTN1):c.3529+5G>A

Gene: DCTN1 (dynactin subunit 1; minus strand). Cytogenetic location: 2p13.1.
Variant type: single nucleotide variant.
Coding change: c.3529+5G>A on transcript NM_004082.5 (MANE Select); 5 bases into the intron after coding-DNA position 3529, G replaced by A.
Molecular consequence: intron variant.
Genome position (GRCh38, 1-based): chr2:74,362,989, C>T on the plus strand (G>A on the coding strand, the complement: DCTN1 is on the minus strand). VCF-style: chr2-74362989-C-T. GRCh37 (hg19) VCF-style: chr2-74590116-C-T.
Other names: c.3403+5G>A (NM_001190836.2); c.3460+5G>A (NM_001378992.1); c.3478+5G>A (NM_001378991.1); c.3454+5G>A (NM_001135040.3); c.3508+5G>A (NM_001190837.2); c.3112+5G>A (NM_001135041.3); c.3127+5G>A (NM_023019.4).
Identifiers: ClinVar variation 284990 (VCV000284990.77), dbSNP rs72466494, ClinGen allele CA1721470.
Genomic context (GRCh38, chr2:74,362,989, plus strand): 5'-GGCTAAATCCCTGGGCCAAGTGGAGGGGGCAGTTTTATTCATCTTGGGGGTTGGCAGGTA[C>T]ATACCAGGGCTGGTGCGAGTGATGTCTACTACGTGCGTGTGTGTGCTCAATTGATTCAAT-3'

ClinVar aggregate classification (germline): Benign/Likely benign. Review status: criteria provided, multiple submitters, no conflicts (2 of 4 stars). 15 submissions from 14 submitters: Benign (9); Likely benign (3). 3 of the submissions do not count toward it. Last evaluated 2026-09-01.

Conditions:
DCTN1-related disorder. Also called: DCTN1-related condition.
Inborn genetic diseases. Identifiers: MedGen C0950123, MeSH D030342.
Neuronopathy, distal hereditary motor, type 7B. Also called: Distal Hereditary Motor Neuronopathy Type 7B (dHMN7B); HMN VIIB; LOWER MOTOR NEURON DISEASE, DYNACTIN TYPE; NEURONOPATHY, DISTAL HEREDITARY MOTOR, AUTOSOMAL DOMINANT 14; NEURONOPATHY, DISTAL HEREDITARY MOTOR, HARDING TYPE VIIB; NEUROPATHY, DISTAL HEREDITARY MOTOR, HARDING TYPE VIIB. Identifiers: Orphanet 139589, MedGen C1843315, MONDO:0011879, OMIM 607641.
Perry syndrome. Also called: PARKINSONISM WITH ALVEOLAR HYPOVENTILATION AND MENTAL DEPRESSION. Identifiers: Orphanet 178509, MedGen C1868594, MONDO:0008201, OMIM 168605.
Amyotrophic lateral sclerosis type 1 (ALS1). Also called: AMYOTROPHIC LATERAL SCLEROSIS 1, FAMILIAL. Identifiers: Orphanet 803, MedGen C1862939, MONDO:0007103, OMIM 105400.

Allele frequency attached by ClinVar (database versions not stated): 1000 Genomes Project 30x 0.00250; 1000 Genomes Project 0.00260; ExAC 0.00590; gnomAD exomes 0.00600 and 0.00837; gnomAD 0.00618 and 0.00644; TOPMed 0.00618; ESP Exome Variant Server 0.00692.
gnomAD v4.1: 13,131 of 1,611,326 alleles (0.81%); highest among the groups gnomAD compares: Non-Finnish European, 0.97%; 50 homozygotes.

Submissions 1 to 26 of 55:

CeGaT Center for Human Genetics Tuebingen
Classification: Likely benign. Last evaluated: 2026-09-01. Review status: criteria provided, single submitter. Criteria: CeGaT Center For Human Genetics Tuebingen Variant Classification Criteria Version 2. Collection method: clinical testing. Allele origin: germline. Affected: yes. Observed: 45 variant alleles.
Comment: DCTN1: BP4, BS2

Labcorp Genetics (formerly Invitae), Labcorp
Classification: Benign for Amyotrophic lateral sclerosis type 1; Neuronopathy, distal hereditary motor, type 7B; Perry syndrome. Last evaluated: 2026-02-04. Review status: criteria provided, single submitter. Criteria: Invitae Variant Classification Sherloc (09022015). Collection method: clinical testing. Allele origin: germline.

Blueprint Genetics
Classification: Likely benign. Last evaluated: 2024-11-26. Review status: criteria provided, single submitter. Criteria: ACMG Guidelines, 2015. Collection method: clinical testing. Allele origin: germline.

Athena Diagnostics
Classification: Benign. Last evaluated: 2024-07-30. Review status: criteria provided, single submitter. Criteria: Athena Diagnostics Criteria. Collection method: clinical testing. Allele origin: unknown.

Genomic Medicine Center of Excellence, King Faisal Specialist Hospital and Research Centre
Classification: Benign for Perry syndrome. Last evaluated: 2024-03-29. Review status: criteria provided, single submitter. Criteria: ACMG Guidelines, 2015. Collection method: clinical testing. Allele origin: germline.

ARUP Laboratories, Molecular Genetics and Genomics, ARUP Laboratories
Classification: Benign. Last evaluated: 2023-11-07. Review status: criteria provided, single submitter. Criteria: ARUP Molecular Germline Variant Investigation Process 2024. Collection method: clinical testing. Allele origin: germline.

Ambry Genetics
Classification: Likely benign for Inborn genetic diseases. Last evaluated: 2019-08-28. Review status: criteria provided, single submitter. Criteria: Ambry Variant Classification Scheme 2023. Collection method: clinical testing. Allele origin: germline.

GeneDx
Classification: Benign. Last evaluated: 2019-03-13. Review status: criteria provided, single submitter. Criteria: GeneDx Variant Classification Process June 2021. Collection method: clinical testing. Allele origin: germline. Affected: yes.

Mayo Clinic Laboratories, Mayo Clinic
Classification: Benign. Last evaluated: 2018-03-13. Review status: criteria provided, single submitter. Criteria: ACMG Guidelines, 2015. Collection method: clinical testing. Allele origin: germline. Observed: 40 variant alleles.

Illumina Laboratory Services, Illumina
Classification: Benign for Neuronopathy, distal hereditary motor, type 7B. Last evaluated: 2018-01-13. Review status: criteria provided, single submitter. Criteria: ICSL Variant Classification Criteria 13 December 2019. Collection method: clinical testing. Allele origin: germline.
Comment: This variant was observed in the ICSL laboratory as part of a predisposition screen in an ostensibly healthy population. It had not been previously curated by ICSL or reported in the Human Gene Mutation Database (HGMD: prior to June 1st, 2018), and was therefore a candidate for classification through an automated scoring system. Utilizing variant allele frequency, disease prevalence and penetrance estimates, and inheritance mode, an automated score was calculated to assess if this variant is too frequent to cause the disease. Based on the score and internal cut-off values, a variant classified as benign is not then subjected to further curation. The score for this variant resulted in a classification of benign for this disease.

Illumina Laboratory Services, Illumina
Classification: Benign for Perry syndrome. Last evaluated: 2018-01-13. Review status: criteria provided, single submitter. Criteria: ICSL Variant Classification Criteria 13 December 2019. Collection method: clinical testing. Allele origin: germline.
Comment: the same text as in the submission from Illumina Laboratory Services, Illumina above.

Eurofins Ntd Llc (ga)
Classification: Benign. Last evaluated: 2015-12-08. Review status: criteria provided, single submitter. Criteria: EGL Classification Definitions 2015. Collection method: clinical testing. Allele origin: germline. Observed: 1 variant allele, 1 heterozygote.

PreventionGenetics, part of Exact Sciences
Classification: Likely benign for DCTN1-related condition. Last evaluated: 2019-06-24. Review status: no assertion criteria provided. Collection method: clinical testing. Allele origin: germline. Not counted in ClinVar's aggregate classification.
Comment: This variant is classified as likely benign based on ACMG/AMP sequence variant interpretation guidelines (Richards et al. 2015 PMID: 25741868, with internal and published modifications).

Clinical Genetics DNA and cytogenetics Diagnostics Lab, Erasmus MC, Erasmus Medical Center
Classification: Benign. Review status: no assertion criteria provided. Collection method: clinical testing. Allele origin: germline. Affected: yes. Study: VKGL Data-share Consensus. Not counted in ClinVar's aggregate classification.

Clinical Genetics, Academic Medical Center
Classification: Benign. Review status: no assertion criteria provided. Collection method: clinical testing. Allele origin: germline. Affected: yes. Study: VKGL Data-share Consensus. Not counted in ClinVar's aggregate classification.

Dr. Peter K. Rogan Lab, Western University
No classification provided (evidence only). Condition: Clear cell carcinoma of kidney. Review status: no classification provided. Collection method: in vitro. Allele origin: not applicable. Functional consequence: retained intron. Not counted in ClinVar's aggregate classification.

Dr. Peter K. Rogan Lab, Western University
No classification provided (evidence only). Condition: Clear cell carcinoma of kidney. Review status: no classification provided. Collection method: in vitro. Allele origin: not applicable. Functional consequence: retained intron. Not counted in ClinVar's aggregate classification.

Dr. Peter K. Rogan Lab, Western University
No classification provided (evidence only). Condition: Clear cell carcinoma of kidney. Review status: no classification provided. Collection method: in vitro. Allele origin: not applicable. Functional consequence: retained intron. Not counted in ClinVar's aggregate classification.

Dr. Peter K. Rogan Lab, Western University
No classification provided (evidence only). Condition: Clear cell carcinoma of kidney. Review status: no classification provided. Collection method: in vitro. Allele origin: not applicable. Functional consequence: retained intron. Not counted in ClinVar's aggregate classification.

Dr. Peter K. Rogan Lab, Western University
No classification provided (evidence only). Condition: Lung cancer. Review status: no classification provided. Collection method: in vitro. Allele origin: not applicable. Functional consequence: retained intron. Not counted in ClinVar's aggregate classification.

Dr. Peter K. Rogan Lab, Western University
No classification provided (evidence only). Condition: Lung cancer. Review status: no classification provided. Collection method: in vitro. Allele origin: not applicable. Functional consequence: retained intron. Not counted in ClinVar's aggregate classification.

Dr. Peter K. Rogan Lab, Western University
No classification provided (evidence only). Condition: Lung cancer. Review status: no classification provided. Collection method: in vitro. Allele origin: not applicable. Functional consequence: retained intron. Not counted in ClinVar's aggregate classification.

Dr. Peter K. Rogan Lab, Western University
No classification provided (evidence only). Condition: Familial cancer of breast. Review status: no classification provided. Collection method: in vitro. Allele origin: not applicable. Functional consequence: retained intron. Not counted in ClinVar's aggregate classification.

Dr. Peter K. Rogan Lab, Western University
No classification provided (evidence only). Condition: Familial cancer of breast. Review status: no classification provided. Collection method: in vitro. Allele origin: not applicable. Functional consequence: retained intron. Not counted in ClinVar's aggregate classification.

Dr. Peter K. Rogan Lab, Western University
No classification provided (evidence only). Condition: Familial cancer of breast. Review status: no classification provided. Collection method: in vitro. Allele origin: not applicable. Functional consequence: retained intron. Not counted in ClinVar's aggregate classification.

Dr. Peter K. Rogan Lab, Western University
No classification provided (evidence only). Condition: Familial cancer of breast. Review status: no classification provided. Collection method: in vitro. Allele origin: not applicable. Functional consequence: retained intron. Not counted in ClinVar's aggregate classification.